The following is an entry in ClinVar:

ClinVar aggregate classification (germline): Uncertain significance (1 of 4 stars; one submission).

Submission:

Labcorp Genetics (formerly Invitae), Labcorp
Classification: Uncertain significance. Last evaluated: 2024-11-27. Review status: criteria provided, single submitter. Criteria: Invitae Variant Classification Sherloc (09022015). Collection method: clinical testing. Allele origin: germline.
Comment: This sequence change replaces histidine, which is basic and polar, with tyrosine, which is neutral and polar, at codon 216 of the PTH1R protein (p.His216Tyr). This variant is not present in population databases (gnomAD no frequency). This variant has not been reported in the literature in individuals affected with PTH1R-related conditions. Invitae Evidence Modeling of protein sequence and biophysical properties (such as structural, functional, and spatial information, amino acid conservation, physicochemical variation, residue mobility, and thermodynamic stability) indicates that this missense variant is expected to disrupt PTH1R protein function with a positive predictive value of 80%. In summary, the available evidence is currently insufficient to determine the role of this variant in disease. Therefore, it has been classified as a Variant of Uncertain Significance.

NM_000316.3(PTH1R):c.646C>T (p.His216Tyr)

Gene: PTH1R (parathyroid hormone 1 receptor; plus strand). Cytogenetic location: 3p21.31.
Variant type: single nucleotide variant.
Coding change: c.646C>T on transcript NM_000316.3 (MANE Select); coding-DNA position 646, C replaced by T.
Protein change: p.His216Tyr; replaces histidine 216 with tyrosine.
Molecular consequence: missense variant.
Genome position (GRCh38, 1-based): chr3:46,898,669, C>T. VCF-style: chr3-46898669-C-T. GRCh37 (hg19) VCF-style: chr3-46940159-C-T.
Other names: c.646C>T, p.His216Tyr (NM_001184744.1); short protein forms H216Y.
Identifiers: ClinVar variation 3679977 (VCV003679977.2).